The following is an entry in ClinVar:

ClinVar aggregate classification (germline): Likely benign (1 of 4 stars; one submission).

Conditions:
PRKCI-related disorder. Also called: PRKCI-related condition.

gnomAD v4.1: 90 of 1,604,152 alleles (0.0056%); highest among the groups gnomAD compares: African/African-American, 0.11%; no homozygotes.

Submission:

PreventionGenetics, part of Exact Sciences
Classification: Likely benign for PRKCI-related condition. Last evaluated: 2025-12-08. Review status: criteria provided, single submitter. Criteria: ACMG Guidelines, 2015. Collection method: clinical testing. Allele origin: germline.
Comment: This variant is classified as likely benign based on ACMG/AMP sequence variant interpretation guidelines (Richards et al. 2015 PMID: 25741868, with internal and published modifications).

NM_002740.6(PRKCI):c.1119G>T (p.Gly373=)

Gene: PRKCI (protein kinase C iota; plus strand). Cytogenetic location: 3q26.2.
Variant type: single nucleotide variant.
Coding change: c.1119G>T on transcript NM_002740.6 (MANE Select); coding-DNA position 1119, G replaced by T.
Protein change: p.Gly373=; no amino-acid change (glycine 373 retained).
Molecular consequence: synonymous variant.
Genome position (GRCh38, 1-based): chr3:170,284,512, G>T. VCF-style: chr3-170284512-G-T. GRCh37 (hg19) VCF-style: chr3-170002300-G-T.
Identifiers: ClinVar variation 4982162 (VCV004982162.1).